The following is an entry in ClinVar:

NM_001042492.3(NF1):c.240T>A (p.Tyr80Ter)

Gene: NF1 (neurofibromin 1; plus strand). Cytogenetic location: 17q11.2.
Variant type: single nucleotide variant.
Coding change: c.240T>A on transcript NM_001042492.3 (MANE Select); coding-DNA position 240, T replaced by A.
Protein change: p.Tyr80Ter; replaces tyrosine 80 with a stop codon.
Molecular consequence: nonsense.
Genome position (GRCh38, 1-based): chr17:31,159,045, T>A. VCF-style: chr17-31159045-T-A. GRCh37 (hg19) VCF-style: chr17-29486063-T-A.
Other names: c.240T>A, p.Tyr80Ter (NM_000267.4, NM_001128147.3); short protein forms Y80*.
Identifiers: ClinVar variation 1411738 (VCV001411738.6), dbSNP rs2143645944, ClinGen allele CA398989617.

ClinVar aggregate classification (germline): Pathogenic (1 of 4 stars; one submission).

Conditions:
Neurofibromatosis, type 1 (NF1). Also called: Peripheral type neurofibromatosis; Neurofibromatosis, type I; VON RECKLINGHAUSEN DISEASE; NEUROFIBROMATOSIS, TYPE I, SOMATIC. Identifiers: Orphanet 636, MedGen C0027831, MONDO:0018975, OMIM 162200. Disease mechanism: loss of function.

Submission:

Labcorp Genetics (formerly Invitae), Labcorp
Classification: Pathogenic for Neurofibromatosis, type 1. Last evaluated: 2024-11-11. Review status: criteria provided, single submitter. Criteria: Invitae Variant Classification Sherloc (09022015). Collection method: clinical testing. Allele origin: germline.
Comment: This sequence change creates a premature translational stop signal (p.Tyr80*) in the NF1 gene. It is expected to result in an absent or disrupted protein product. Loss-of-function variants in NF1 are known to be pathogenic (PMID: 10712197, 23913538). This variant is not present in population databases (gnomAD no frequency). This premature translational stop signal has been observed in individual(s) with gastrointestinal stromal tumor (PMID: 35988656). ClinVar contains an entry for this variant (Variation ID: 1411738). For these reasons, this variant has been classified as Pathogenic.

Literature cited by the submitters: PubMed 10712197; PubMed 23913538; PubMed 35988656.